The following is an entry in ClinVar:

NM_000512.5(GALNS):c.1188del (p.Gln397fs)

Gene: GALNS (galactosamine (N-acetyl)-6-sulfatase; minus strand). Cytogenetic location: 16q24.3.
Variant type: Deletion.
Coding change: c.1188del on transcript NM_000512.5 (MANE Select); coding-DNA position 1188, one base deleted (G; older notation c.1188delG).
Protein change: p.Gln397fs; shifts the reading frame from glutamine 397.
Molecular consequence: frameshift variant.
Genome position (GRCh38, 1-based): chr16:88,824,821, C deleted on the plus strand (G on the coding strand, the reverse complement: GALNS is on the minus strand); the first of 3 consecutive C bases (chr16:88,824,821-88,824,823); deleting any one gives the same sequence. VCF-style (leftmost placement, unchanged base first): chr16-88824820-GC-G. GRCh37 (hg19) VCF-style: chr16-88891228-GC-G.
Other names: c.633del, p.Gln212fs (NM_001323543.2); c.1206del, p.Gln403fs (NM_001323544.2); short protein forms Q212fs, Q397fs, Q403fs.
Identifiers: ClinVar variation 1048326 (VCV001048326.3), dbSNP rs2142993827, ClinGen allele CA916079758.

ClinVar aggregate classification (germline): Likely pathogenic (1 of 4 stars; one submission).

Conditions:
Mucopolysaccharidosis, MPS-IV-A (MPS4A). Also called: Mucopolysaccharidosis type IV A; Mucopolysaccharidosis Type IVA; Morquio syndrome A, mild; MORQUIO SYNDROME A; MPS IVA; mucopolysaccharidosis type 4A. Identifiers: Orphanet 309297, Orphanet 582, MedGen C0086651, MONDO:0009659, OMIM 253000.

Submission:

Laboratory of Diagnosis and Therapy of Lysosomal Disorders, University of Padova
Classification: Likely pathogenic for Mucopolysaccharidosis, MPS-IV-A. Last evaluated: 2021-02-01. Review status: criteria provided, single submitter. Criteria: ACMG Guidelines, 2015. Collection method: curation. Allele origin: germline. Affected: yes.
Comment: Frameshift variant (PVS1_very strong); absent from gnomAD v2.1.1 (PM2_moderate)

Literature cited by the submitters: PubMed 24120057; PubMed 34387910.